The following is an entry in ClinVar:

NM_004168.4(SDHA):c.650T>C (p.Val217Ala)

Gene: SDHA (succinate dehydrogenase complex flavoprotein subunit A; plus strand). Cytogenetic location: 5p15.33.
Variant type: single nucleotide variant.
Coding change: c.650T>C on transcript NM_004168.4 (MANE Select); coding-DNA position 650, T replaced by C.
Protein change: p.Val217Ala; replaces valine 217 with alanine.
Molecular consequence: missense variant.
Genome position (GRCh38, 1-based): chr5:228,213, T>C. VCF-style: chr5-228213-T-C. GRCh37 (hg19) VCF-style: chr5-228328-T-C.
Other names: c.506T>C, p.Val169Ala (NM_001294332.2); c.650T>C, p.Val217Ala (NM_001330758.2); short protein forms V169A, V217A.
Identifiers: ClinVar variation 3754187 (VCV003754187.2).

ClinVar aggregate classification (germline): Uncertain significance (1 of 4 stars; one submission).

Conditions:
Mitochondrial complex II deficiency, nuclear type 1. Also called: SUCCINATE CoQ REDUCTASE DEFICIENCY. Identifiers: Orphanet 3208, MedGen C5700310, MONDO:0100294, OMIM 252011.
Pheochromocytoma/paraganglioma syndrome 5. Also called: Paragangliomas 5; SDHA-Related Hereditary Paraganglioma-Pheochromocytoma Syndrome. Identifiers: Orphanet 29072, MedGen C3279992, MONDO:0013602, OMIM 614165.

Submission:

Labcorp Genetics (formerly Invitae), Labcorp
Classification: Uncertain significance for Pheochromocytoma/paraganglioma syndrome 5; Mitochondrial complex II deficiency, nuclear type 1. Last evaluated: 2024-07-08. Review status: criteria provided, single submitter. Criteria: Invitae Variant Classification Sherloc (09022015). Collection method: clinical testing. Allele origin: germline.
Comment: This sequence change replaces valine, which is neutral and non-polar, with alanine, which is neutral and non-polar, at codon 217 of the SDHA protein (p.Val217Ala). This variant is not present in population databases (gnomAD no frequency). This variant has not been reported in the literature in individuals affected with SDHA-related conditions. Advanced modeling of protein sequence and biophysical properties (such as structural, functional, and spatial information, amino acid conservation, physicochemical variation, residue mobility, and thermodynamic stability) performed at Invitae indicates that this missense variant is not expected to disrupt SDHA protein function with a negative predictive value of 95%. In summary, the available evidence is currently insufficient to determine the role of this variant in disease. Therefore, it has been classified as a Variant of Uncertain Significance.